The following is an entry in ClinVar:

ClinVar aggregate classification (germline): Uncertain significance (1 of 4 stars; one submission).

Allele frequency attached by ClinVar (database versions not stated): gnomAD exomes 0.00001.
gnomAD v4.1: 15 of 1,614,048 alleles (0.00093%); highest among the groups gnomAD compares: Non-Finnish European, 0.0013%; no homozygotes.

Submission:

Labcorp Genetics (formerly Invitae), Labcorp
Classification: Uncertain significance. Last evaluated: 2022-05-09. Review status: criteria provided, single submitter. Criteria: Invitae Variant Classification Sherloc (09022015). Collection method: clinical testing. Allele origin: germline.
Comment: Algorithms developed to predict the effect of missense changes on protein structure and function output the following: SIFT: "Tolerated"; PolyPhen-2: "Benign"; Align-GVGD: "Class C0". The alanine amino acid residue is found in multiple mammalian species, which suggests that this missense change does not adversely affect protein function. This variant has not been reported in the literature in individuals affected with EFL1-related conditions. This variant is present in population databases (no rsID available, gnomAD 0.0009%). This sequence change replaces threonine, which is neutral and polar, with alanine, which is neutral and non-polar, at codon 615 of the EFL1 protein (p.Thr615Ala). In summary, the available evidence is currently insufficient to determine the role of this variant in disease. Therefore, it has been classified as a Variant of Uncertain Significance.

NM_024580.6(EFL1):c.1843A>G (p.Thr615Ala)

Gene: EFL1 (elongation factor like GTPase 1; minus strand). Cytogenetic location: 15q25.2.
Variant type: single nucleotide variant.
Coding change: c.1843A>G on transcript NM_024580.6 (MANE Select); coding-DNA position 1843, A replaced by G.
Protein change: p.Thr615Ala; replaces threonine 615 with alanine.
Molecular consequence: missense variant. On other transcripts: non-coding transcript variant (1).
Genome position (GRCh38, 1-based): chr15:82,163,892, T>C on the plus strand (A>G on the coding strand, the complement: EFL1 is on the minus strand). VCF-style: chr15-82163892-T-C. GRCh37 (hg19) VCF-style: chr15-82456233-T-C.
Other names: c.1690A>G, p.Thr564Ala (NM_001040610.3); c.1054A>G, p.Thr352Ala (NM_001322844.2); c.1843A>G, p.Thr615Ala (NM_001322845.2); short protein forms T564A, T615A, T352A.
Identifiers: ClinVar variation 1938634 (VCV001938634.5), dbSNP rs1446898069, ClinGen allele CA393274556.